The following is an entry in ClinVar:

NM_002381.5(MATN3):c.38_39inv (p.Leu13Arg)

Gene: MATN3 (matrilin 3; minus strand). Cytogenetic location: 2p24.1.
Variant type: Inversion.
Coding change: c.38_39inv on transcript NM_002381.5 (MANE Select).
Protein change: p.Leu13Arg; replaces leucine 13 with arginine.
Molecular consequence: missense variant.
Genome position: GRCh38 VCF-style: chr2-20012593-GA-TC. GRCh37 (hg19) VCF-style: chr2-20212354-GA-TC.
Other names: short protein forms L13R.
Identifiers: ClinVar variation 2708867 (VCV002708867.3), ClinGen allele CA2697547835.

ClinVar aggregate classification (germline): Uncertain significance (1 of 4 stars; one submission).

Submission:

Labcorp Genetics (formerly Invitae), Labcorp
Classification: Uncertain significance. Last evaluated: 2024-01-11. Review status: criteria provided, single submitter. Criteria: Invitae Variant Classification Sherloc (09022015). Collection method: clinical testing. Allele origin: germline.
Comment: This sequence change replaces leucine, which is neutral and non-polar, with arginine, which is basic and polar, at codon 13 of the MATN3 protein (p.Leu13Arg). Information on the frequency of this variant in the gnomAD database is not available, as this variant may be reported differently in the database. This variant has not been reported in the literature in individuals affected with MATN3-related conditions. Experimental studies and prediction algorithms are not available or were not evaluated, and the functional significance of this variant is currently unknown. In summary, the available evidence is currently insufficient to determine the role of this variant in disease. Therefore, it has been classified as a Variant of Uncertain Significance.